The following is an entry in ClinVar:

ClinVar aggregate classification (germline): Uncertain significance (1 of 4 stars; one submission).

Conditions:
Hereditary spastic paraplegia 11. Also called: SPASTIC PARAPLEGIA, AUTOSOMAL RECESSIVE, COMPLICATED, WITH THIN CORPUS CALLOSUM; SPASTIC PARAPLEGIA, AUTOSOMAL RECESSIVE, WITH MENTAL IMPAIRMENT AND THIN CORPUS CALLOSUM; Spastic Paraplegia 11; Nakamura Osame syndrome; Autosomal recessive hereditary spastic paraplegia, mental impairment, and thin corpus callosum; Spastic paraplegia, mental retardation and thin corpus callosum. Identifiers: Orphanet 2822, MedGen C1858479, MONDO:0011445, OMIM 604360.

Allele frequency attached by ClinVar (database versions not stated): gnomAD exomes below 0.00001.
gnomAD v4.1: 2 of 1,559,348 alleles (0.00013%); highest among the groups gnomAD compares: Admixed American, 0.0018%; no homozygotes.

Submission:

Labcorp Genetics (formerly Invitae), Labcorp
Classification: Uncertain significance for Hereditary spastic paraplegia 11. Last evaluated: 2024-04-22. Review status: criteria provided, single submitter. Criteria: Invitae Variant Classification Sherloc (09022015). Collection method: clinical testing. Allele origin: germline.
Comment: This sequence change replaces serine, which is neutral and polar, with phenylalanine, which is neutral and non-polar, at codon 783 of the SPG11 protein (p.Ser783Phe). This variant is not present in population databases (gnomAD no frequency). This variant has not been reported in the literature in individuals affected with SPG11-related conditions. ClinVar contains an entry for this variant (Variation ID: 2151549). Advanced modeling of protein sequence and biophysical properties (such as structural, functional, and spatial information, amino acid conservation, physicochemical variation, residue mobility, and thermodynamic stability) performed at Invitae indicates that this missense variant is expected to disrupt SPG11 protein function with a positive predictive value of 80%. In summary, the available evidence is currently insufficient to determine the role of this variant in disease. Therefore, it has been classified as a Variant of Uncertain Significance.

NM_025137.4(SPG11):c.2348C>T (p.Ser783Phe)

Gene: SPG11 (SPG11 vesicle trafficking associated, spatacsin; minus strand). Cytogenetic location: 15q21.1.
Variant type: single nucleotide variant.
Coding change: c.2348C>T on transcript NM_025137.4 (MANE Select); coding-DNA position 2348, C replaced by T.
Protein change: p.Ser783Phe; replaces serine 783 with phenylalanine.
Molecular consequence: missense variant.
Genome position (GRCh38, 1-based): chr15:44,622,316, G>A on the plus strand (C>T on the coding strand, the complement: SPG11 is on the minus strand). VCF-style: chr15-44622316-G-A. GRCh37 (hg19) VCF-style: chr15-44914514-G-A.
Other names: c.2348C>T, p.Ser783Phe (NM_001160227.2, NM_001411132.1); short protein forms S783F.
Identifiers: ClinVar variation 2151549 (VCV002151549.3), dbSNP rs954316378, ClinGen allele CA270074502.